The following is an entry in ClinVar:

NM_000414.4(HSD17B4):c.1000C>T (p.Pro334Ser)

Gene: HSD17B4 (hydroxysteroid 17-beta dehydrogenase 4; plus strand). Cytogenetic location: 5q23.1.
Variant type: single nucleotide variant.
Coding change: c.1000C>T on transcript NM_000414.4 (MANE Select); coding-DNA position 1000, C replaced by T.
Protein change: p.Pro334Ser; replaces proline 334 with serine.
Molecular consequence: missense variant. On other transcripts: non-coding transcript variant (2).
Genome position (GRCh38, 1-based): chr5:119,499,344, C>T. VCF-style: chr5-119499344-C-T. GRCh37 (hg19) VCF-style: chr5-118835039-C-T.
Other names: c.1075C>T, p.Pro359Ser (NM_001199291.3); c.946C>T, p.Pro316Ser (NM_001199292.2); c.928C>T, p.Pro310Ser (NM_001292027.2); c.580C>T, p.Pro194Ser (NM_001292028.2); c.991C>T, p.Pro331Ser (NM_001374497.1); c.1000C>T, p.Pro334Ser (NM_001374498.1); c.673C>T, p.Pro225Ser (NM_001374499.1); c.559C>T, p.Pro187Ser (NM_001374500.1); and 1 more; short protein forms P187S, P194S, P316S, P197S, P310S, P331S, P225S, P334S.
Identifiers: ClinVar variation 845847 (VCV000845847.9), dbSNP rs143750360, ClinGen allele CA360867906.

ClinVar aggregate classification (germline): Uncertain significance (1 of 4 stars; one submission).

Conditions:
Bifunctional peroxisomal enzyme deficiency (DBIF). Also called: D-bifunctional protein deficiency; DBP DEFICIENCY; PBFE DEFICIENCY. Identifiers: Orphanet 300, MedGen C0342870, MONDO:0009855, OMIM 261515. Disease mechanism: loss of function.
Perrault syndrome. Also called: Gonadal dysgenesis with auditory dysfunction, autosomal recessive inheritance. Identifiers: Orphanet 2855, MedGen C0685838, MONDO:0017312.

Submission:

Labcorp Genetics (formerly Invitae), Labcorp
Classification: Uncertain significance for Perrault syndrome; Bifunctional peroxisomal enzyme deficiency. Last evaluated: 2024-10-25. Review status: criteria provided, single submitter. Criteria: Invitae Variant Classification Sherloc (09022015). Collection method: clinical testing. Allele origin: germline.
Comment: This sequence change replaces proline, which is neutral and non-polar, with serine, which is neutral and polar, at codon 334 of the HSD17B4 protein (p.Pro334Ser). This variant is not present in population databases (gnomAD no frequency). This variant has not been reported in the literature in individuals affected with HSD17B4-related conditions. ClinVar contains an entry for this variant (Variation ID: 845847). Invitae Evidence Modeling of protein sequence and biophysical properties (such as structural, functional, and spatial information, amino acid conservation, physicochemical variation, residue mobility, and thermodynamic stability) indicates that this missense variant is not expected to disrupt HSD17B4 protein function with a negative predictive value of 95%. In summary, the available evidence is currently insufficient to determine the role of this variant in disease. Therefore, it has been classified as a Variant of Uncertain Significance.